The following is an entry in ClinVar:

NM_000361.3(THBD):c.1355C>T (p.Ser452Phe)

Gene: THBD (thrombomodulin; minus strand). Cytogenetic location: 20p11.21.
Variant type: single nucleotide variant.
Coding change: c.1355C>T on transcript NM_000361.3 (MANE Select); coding-DNA position 1355, C replaced by T.
Protein change: p.Ser452Phe; replaces serine 452 with phenylalanine.
Molecular consequence: missense variant.
Genome position (GRCh38, 1-based): chr20:23,048,150, G>A on the plus strand (C>T on the coding strand, the complement: THBD is on the minus strand). VCF-style: chr20-23048150-G-A. GRCh37 (hg19) VCF-style: chr20-23028787-G-A.
Other names: short protein forms S452F.
Identifiers: ClinVar variation 4778805 (VCV004778805.1).
Genomic context (GRCh38, chr20:23,048,150, plus strand): 5'-AGGGCCGAGTCGGGCCCGCAGATGCACTCGAAGGTACCGGGGAGGTTGTGGCACACCCCG[G>A]AGCAGAAGCCGCCGTTTTCGCACTCGTCGATGTCCGTGCAGATGAAACCGTCGTCCAGGA-3'
Protein context (NP_000352.1, residues 442-462): IDECENGGFC[Ser452Phe]GVCHNLPGTF

ClinVar aggregate classification (germline): Uncertain significance (1 of 4 stars; one submission).

Submission:

Labcorp Genetics (formerly Invitae), Labcorp
Classification: Uncertain significance. Last evaluated: 2025-09-10. Review status: criteria provided, single submitter. Criteria: Invitae Variant Classification Sherloc (09022015). Collection method: clinical testing. Allele origin: germline.
Comment: This sequence change replaces serine, which is neutral and polar, with phenylalanine, which is neutral and non-polar, at codon 452 of the THBD protein (p.Ser452Phe). This variant is not present in population databases (gnomAD no frequency). This variant has not been reported in the literature in individuals affected with THBD-related conditions. Invitae Evidence Modeling of protein sequence and biophysical properties (such as structural, functional, and spatial information, amino acid conservation, physicochemical variation, residue mobility, and thermodynamic stability) indicates that this missense variant is not expected to disrupt THBD protein function with a negative predictive value of 80%. In summary, the available evidence is currently insufficient to determine the role of this variant in disease. Therefore, it has been classified as a Variant of Uncertain Significance.